The following is an entry in ClinVar:

NM_004380.3(CREBBP):c.6343A>G (p.Met2115Val)

Gene: CREBBP (CREB binding lysine acetyltransferase; minus strand). Cytogenetic location: 16p13.3.
Variant type: single nucleotide variant.
Coding change: c.6343A>G on transcript NM_004380.3 (MANE Select); coding-DNA position 6343, A replaced by G.
Protein change: p.Met2115Val; replaces methionine 2115 with valine.
Molecular consequence: missense variant.
Genome position (GRCh38, 1-based): chr16:3,728,704, T>C on the plus strand (A>G on the coding strand, the complement: CREBBP is on the minus strand). VCF-style: chr16-3728704-T-C. GRCh37 (hg19) VCF-style: chr16-3778705-T-C.
Other names: c.6229A>G, p.Met2077Val (NM_001079846.1); short protein forms M2115V, M2077V.
Identifiers: ClinVar variation 2044338 (VCV002044338.30), dbSNP rs150774470, ClinGen allele CA7869136.
Genomic context (GRCh38, chr16:3,728,704, plus strand): 5'-GGTGCATGCCAGGCTGGGGTTGCATGCCGGGCTGGGACTGGAGGCCAGGCTGGGGCTGCA[T>C]GCCGGGCTGATTGGCCACGTACTTGGCTGTGCGCTGTTTGATGAAAGCTGCCATTAGCTG-3'
Protein context (NP_004371.2, residues 2105-2125): TAKYVANQPG[Met2115Val]QPQPGLQSQP

ClinVar aggregate classification (germline): Conflicting classifications of pathogenicity. Review status: criteria provided, conflicting classifications (1 of 4 stars). 4 submissions from 4 submitters: Uncertain significance (1); Likely benign (2). 1 of the submissions does not count toward it. Last evaluated 2023-11-18.

Conditions:
Inborn genetic diseases. Identifiers: MedGen C0950123, MeSH D030342.
CREBBP-related disorder. Also called: CREBBP-related condition; CREBBP-related disorders.
Rubinstein-Taybi syndrome (RSTS). Identifiers: Orphanet 783, MedGen C0035934, MONDO:0019188.

Allele frequency attached by ClinVar (database versions not stated): ExAC 0.00001; TOPMed 0.00003; gnomAD 0.00005; ESP Exome Variant Server 0.00008; gnomAD exomes 0.00008.
gnomAD v4.1: 123 of 1,613,854 alleles (0.0076%); highest among the groups gnomAD compares: Non-Finnish European, 0.01%; no homozygotes.

Submissions (4):

Labcorp Genetics (formerly Invitae), Labcorp
Classification: Likely benign for Rubinstein-Taybi syndrome. Last evaluated: 2023-11-18. Review status: criteria provided, single submitter. Criteria: Invitae Variant Classification Sherloc (09022015). Collection method: clinical testing. Allele origin: germline.

CeGaT Center for Human Genetics Tuebingen
Classification: Uncertain significance. Last evaluated: 2022-08-01. Review status: criteria provided, single submitter. Criteria: CeGaT Center For Human Genetics Tuebingen Variant Classification Criteria Version 2. Collection method: clinical testing. Allele origin: germline. Affected: yes. Observed: 1 variant allele.
Comment: CREBBP: PP2, BP4

Ambry Genetics
Classification: Likely benign for Inborn genetic diseases. Last evaluated: 2022-04-28. Review status: criteria provided, single submitter. Criteria: Ambry Variant Classification Scheme 2023. Collection method: clinical testing. Allele origin: germline.

PreventionGenetics, part of Exact Sciences
Classification: Uncertain significance for CREBBP-related condition. Last evaluated: 2024-02-24. Review status: no assertion criteria provided. Collection method: clinical testing. Allele origin: germline. Not counted in ClinVar's aggregate classification.
Comment: The CREBBP c.6343A>G variant is predicted to result in the amino acid substitution p.Met2115Val. To our knowledge, this variant has not been reported in the literature. This variant is reported in 0.0063% of alleles in individuals of European (Non-Finnish) descent in gnomAD, which is more common than expected for an undocumented disease-causing variant. Although we suspect this variant may be benign, at this time, its clinical significance is uncertain due to the absence of conclusive functional and genetic evidence.